The following is an entry in ClinVar:

ClinVar aggregate classification (germline): Uncertain significance (1 of 4 stars; one submission).

Conditions:
Charcot-Marie-Tooth disease type 4. Also called: Charcot-Marie-Tooth disease, type IV; Charcot-Marie-Tooth, Type 4. Identifiers: Orphanet 64749, MedGen C4082197, MONDO:0018995.

Allele frequency attached by ClinVar (database versions not stated): gnomAD exomes below 0.00001.
gnomAD v4.1: 1 of 1,614,032 alleles (0.000062%); highest among the groups gnomAD compares: South Asian, 0.0011%; no homozygotes.

Submission:

Labcorp Genetics (formerly Invitae), Labcorp
Classification: Uncertain significance for Charcot-Marie-Tooth disease type 4. Last evaluated: 2020-09-02. Review status: criteria provided, single submitter. Criteria: Invitae Variant Classification Sherloc (09022015). Collection method: clinical testing. Allele origin: germline.
Comment: This sequence change replaces proline with leucine at codon 557 of the PRX protein (p.Pro557Leu). The proline residue is highly conserved and there is a moderate physicochemical difference between proline and leucine. In summary, the available evidence is currently insufficient to determine the role of this variant in disease. Therefore, it has been classified as a Variant of Uncertain Significance. Algorithms developed to predict the effect of missense changes on protein structure and function are either unavailable or do not agree on the potential impact of this missense change (SIFT: "Deleterious"; PolyPhen-2: "Possibly Damaging"; Align-GVGD: "Class C0"). This variant has not been reported in the literature in individuals with PRX-related conditions. This variant is not present in population databases (ExAC no frequency).

NM_181882.3(PRX):c.1670C>T (p.Pro557Leu)

Gene: PRX (periaxin; minus strand). Cytogenetic location: 19q13.2.
Variant type: single nucleotide variant.
Coding change: c.1670C>T on transcript NM_181882.3 (MANE Select); coding-DNA position 1670, C replaced by T.
Protein change: p.Pro557Leu; replaces proline 557 with leucine.
Molecular consequence: missense variant. On other transcripts: 3 prime UTR variant (1).
Genome position (GRCh38, 1-based): chr19:40,396,682, G>A on the plus strand (C>T on the coding strand, the complement: PRX is on the minus strand). VCF-style: chr19-40396682-G-A. GRCh37 (hg19) VCF-style: chr19-40902589-G-A.
Other names: c.*1875C>T (NM_020956.2); short protein forms P557L.
Identifiers: ClinVar variation 1052440 (VCV001052440.9), dbSNP rs1419440307, ClinGen allele CA405897913.